The following is an entry in ClinVar:

NM_000179.3(MSH6):c.4059G>A (p.Leu1353=)

Gene: MSH6 (mutS homolog 6; plus strand). Cytogenetic location: 2p16.3.
Variant type: single nucleotide variant.
Coding change: c.4059G>A on transcript NM_000179.3 (MANE Select); coding-DNA position 4059, G replaced by A.
Protein change: p.Leu1353=; no amino-acid change (leucine 1353 retained).
Molecular consequence: synonymous variant.
Genome position (GRCh38, 1-based): chr2:47,806,836, G>A. VCF-style: chr2-47806836-G-A. GRCh37 (hg19) VCF-style: chr2-48033975-G-A.
Other names: c.3669G>A, p.Leu1223= (NM_001281492.2); c.3153G>A, p.Leu1051= (NM_001281493.2, NM_001281494.2).
Identifiers: ClinVar variation 491973 (VCV000491973.17), dbSNP rs1553334048, ClinGen allele CA426122287.
Genomic context (GRCh38, chr2:47,806,836, plus strand): 5'-AAGGGAAGTTTGCCTGGCTAGTGAAAGGTCAACTGTAGATGCTGAAGCTGTCCATAAATT[G>A]CTGACTTTGATTAAGGAATTATAGACTGACTACATTGGAAGCTTTGAGTTGACTTCTGAC-3'
Protein context (NP_000170.1, residues 1343-1360): STVDAEAVHK[Leu1353=]LTLIKEL

ClinVar aggregate classification (germline): Benign/Likely benign. Review status: criteria provided, multiple submitters, no conflicts (2 of 4 stars). 4 submissions from 4 submitters: Benign (1); Likely benign (3). Last evaluated 2025-04-13.

Conditions:
Lynch syndrome 5 (LYNCH5). Also called: Colorectal cancer, hereditary nonpolyposis, type 5; Hereditary non-polyposis colorectal cancer, type 5. Identifiers: Orphanet 144, MedGen C1833477, MONDO:0013710, OMIM 614350. Disease mechanism: loss of function.
Hereditary nonpolyposis colorectal neoplasms. Identifiers: MedGen C0009405, MeSH D003123.
Hereditary cancer-predisposing syndrome. Also called: Hereditary neoplastic syndrome; Tumor predisposition; Hereditary Cancer Syndrome; Neoplastic Syndromes, Hereditary. Identifiers: Orphanet 140162, MedGen C0027672, MeSH D009386, MONDO:0015356.

Allele frequency attached by ClinVar (database versions not stated): gnomAD exomes 0.00001.
gnomAD v4.1: 19 of 1,610,658 alleles (0.0012%); highest among the groups gnomAD compares: Non-Finnish European, 0.0016%; no homozygotes.

Submissions (4):

Labcorp Genetics (formerly Invitae), Labcorp
Classification: Likely benign for Hereditary nonpolyposis colorectal neoplasms. Last evaluated: 2025-04-13. Review status: criteria provided, single submitter. Criteria: Invitae Variant Classification Sherloc (09022015). Collection method: clinical testing. Allele origin: germline.

Myriad Genetics, Inc.
Classification: Benign for Lynch syndrome 5. Last evaluated: 2025-01-09. Review status: criteria provided, single submitter. Criteria: Myriad Autosomal Dominant, Autosomal Recessive and X-Linked Classification Criteria (2023). Collection method: clinical testing. Allele origin: unknown.
Comment: This variant is considered benign. This variant is a silent/synonymous amino acid change and it is not expected to impact splicing.

Ambry Genetics
Classification: Likely benign for Hereditary cancer-predisposing syndrome. Last evaluated: 2023-04-11. Review status: criteria provided, single submitter. Criteria: Ambry Variant Classification Scheme 2023. Collection method: clinical testing. Allele origin: germline.

Color Diagnostics, LLC DBA Color Health
Classification: Likely benign for Hereditary cancer-predisposing syndrome. Last evaluated: 2017-04-24. Review status: criteria provided, single submitter. Criteria: ACMG Guidelines, 2015. Collection method: clinical testing. Allele origin: germline.